The following is an entry in ClinVar:

NM_001843.4(CNTN1):c.512G>T (p.Arg171Leu)

Gene: CNTN1 (contactin 1; plus strand). Cytogenetic location: 12q12.
Variant type: single nucleotide variant.
Coding change: c.512G>T on transcript NM_001843.4 (MANE Select); coding-DNA position 512, G replaced by T.
Protein change: p.Arg171Leu; replaces arginine 171 with leucine.
Molecular consequence: missense variant.
Genome position (GRCh38, 1-based): chr12:40,929,811, G>T. VCF-style: chr12-40929811-G-T. GRCh37 (hg19) VCF-style: chr12-41323613-G-T.
Other names: c.512G>T, p.Arg171Leu (NM_001256063.2, NM_001256064.2); c.479G>T, p.Arg160Leu (NM_175038.2); short protein forms R160L, R171L.
Identifiers: ClinVar variation 1005801 (VCV001005801.9), dbSNP rs201037986, ClinGen allele CA384422482.

ClinVar aggregate classification (germline): Uncertain significance (1 of 4 stars; one submission).

Conditions:
Compton-North congenital myopathy (CMYO12). Identifiers: Orphanet 210163, MedGen C2675527, MONDO:0012929, OMIM 612540.

gnomAD v4.1: 1 of 1,611,402 alleles (0.000062%); highest among the groups gnomAD compares: Non-Finnish European, 0.000085%; no homozygotes.

Submission:

Labcorp Genetics (formerly Invitae), Labcorp
Classification: Uncertain significance for Compton-North congenital myopathy. Last evaluated: 2024-10-23. Review status: criteria provided, single submitter. Criteria: Invitae Variant Classification Sherloc (09022015). Collection method: clinical testing. Allele origin: germline.
Comment: This sequence change replaces arginine, which is basic and polar, with leucine, which is neutral and non-polar, at codon 171 of the CNTN1 protein (p.Arg171Leu). This variant is not present in population databases (gnomAD no frequency). This variant has not been reported in the literature in individuals affected with CNTN1-related conditions. ClinVar contains an entry for this variant (Variation ID: 1005801). Invitae Evidence Modeling of protein sequence and biophysical properties (such as structural, functional, and spatial information, amino acid conservation, physicochemical variation, residue mobility, and thermodynamic stability) indicates that this missense variant is not expected to disrupt CNTN1 protein function with a negative predictive value of 95%. In summary, the available evidence is currently insufficient to determine the role of this variant in disease. Therefore, it has been classified as a Variant of Uncertain Significance.